The following is an entry in ClinVar:

ClinVar aggregate classification (germline): Uncertain significance. Review status: criteria provided, multiple submitters, no conflicts (2 of 4 stars). 2 submissions from 2 submitters: Uncertain significance (2). Last evaluated 2025-09-27.

Allele frequency attached by ClinVar (database versions not stated): gnomAD exomes 0.00001 and 0.00005; ExAC 0.00002; gnomAD 0.00014 and 0.00015; TOPMed 0.00015; 1000 Genomes Project 0.00020; 1000 Genomes Project 30x 0.00031.
gnomAD v4.1: 36 of 1,614,066 alleles (0.0022%); highest among the groups gnomAD compares: African/African-American, 0.043%; no homozygotes.

Submissions (2):

Ambry Genetics
Classification: Uncertain significance. Last evaluated: 2025-09-27. Review status: criteria provided, single submitter. Criteria: Ambry Variant Classification Scheme 2023. Collection method: clinical testing. Allele origin: germline.

Labcorp Genetics (formerly Invitae), Labcorp
Classification: Uncertain significance. Last evaluated: 2025-05-19. Review status: criteria provided, single submitter. Criteria: Invitae Variant Classification Sherloc (09022015). Collection method: clinical testing. Allele origin: germline.
Comment: This sequence change replaces threonine, which is neutral and polar, with isoleucine, which is neutral and non-polar, at codon 221 of the NFE2L2 protein (p.Thr221Ile). This variant is present in population databases (rs576075280, gnomAD 0.04%). This variant has not been reported in the literature in individuals affected with NFE2L2-related conditions. ClinVar contains an entry for this variant (Variation ID: 1361443). Invitae Evidence Modeling of protein sequence and biophysical properties (such as structural, functional, and spatial information, amino acid conservation, physicochemical variation, residue mobility, and thermodynamic stability) indicates that this missense variant is not expected to disrupt NFE2L2 protein function with a negative predictive value of 80%. In summary, the available evidence is currently insufficient to determine the role of this variant in disease. Therefore, it has been classified as a Variant of Uncertain Significance.

NM_006164.5(NFE2L2):c.662C>T (p.Thr221Ile)

Gene: NFE2L2 (NFE2 like bZIP transcription factor 2; minus strand). Cytogenetic location: 2q31.2.
Variant type: single nucleotide variant.
Coding change: c.662C>T on transcript NM_006164.5 (MANE Select); coding-DNA position 662, C replaced by T.
Protein change: p.Thr221Ile; replaces threonine 221 with isoleucine.
Molecular consequence: missense variant.
Genome position (GRCh38, 1-based): chr2:177,231,941, G>A on the plus strand (C>T on the coding strand, the complement: NFE2L2 is on the minus strand). VCF-style: chr2-177231941-G-A. GRCh37 (hg19) VCF-style: chr2-178096669-G-A.
Other names: c.662C>T (NM_006164.3); c.614C>T, p.Thr205Ile (NM_001145412.3, NM_001313900.1, NM_001313901.1); c.593C>T, p.Thr198Ile (NM_001145413.3); c.572C>T, p.Thr191Ile (NM_001313902.2); c.443C>T, p.Thr148Ile (NM_001313903.2); c.362C>T, p.Thr121Ile (NM_001313904.1); short protein forms T121I, T191I, T221I, T148I, T198I, T205I.
Identifiers: ClinVar variation 1361443 (VCV001361443.9), dbSNP rs576075280, ClinGen allele CA1979815.
Genomic context (GRCh38, chr2:177,231,941, plus strand): 5'-TTACCTACTTCTTTTTCCATTGAGGGTATAGATGAGTAAAAATGATAATTGTCAACTTCT[G>A]TCAGTTTGGCTTCTGGACTTGGAACCATGGTAGTCTCAACCAGCTTGTCATTTTCAATAT-3'
Protein context (NP_006155.2, residues 211-231): TMVPSPEAKL[Thr221Ile]EVDNYHFYSS